The following is an entry in ClinVar:

ClinVar aggregate classification (germline): Uncertain significance (1 of 4 stars; one submission).

Submission:

GeneDx
Classification: Uncertain significance. Last evaluated: 2023-11-15. Review status: criteria provided, single submitter. Criteria: GeneDx Variant Classification Process June 2021. Collection method: clinical testing. Allele origin: germline. Affected: yes.
Comment: Not observed at significant frequency in large population cohorts (gnomAD); In silico analysis supports that this missense variant does not alter protein structure/function; Has not been previously published as pathogenic or benign to our knowledge

NM_138615.3(DHX30):c.2954A>C (p.Asn985Thr)

Gene: DHX30 (DExH-box helicase 30; plus strand). Cytogenetic location: 3p21.31.
Variant type: single nucleotide variant.
Coding change: c.2954A>C on transcript NM_138615.3 (MANE Select); coding-DNA position 2954, A replaced by C.
Protein change: p.Asn985Thr; replaces asparagine 985 with threonine.
Molecular consequence: missense variant.
Genome position (GRCh38, 1-based): chr3:47,849,216, A>C. VCF-style: chr3-47849216-A-C. GRCh37 (hg19) VCF-style: chr3-47890706-A-C.
Other names: c.2870A>C, p.Asn957Thr (NM_001330990.2); c.2837A>C, p.Asn946Thr (NM_014966.4); short protein forms N946T, N957T, N985T.
Identifiers: ClinVar variation 3364376 (VCV003364376.1).